The following is an entry in ClinVar:

ClinVar aggregate classification (germline): Uncertain significance. Review status: criteria provided, multiple submitters, no conflicts (2 of 4 stars). 3 submissions from 3 submitters: Uncertain significance (2). 1 of the submissions does not count toward it. Last evaluated 2025-11-17.

Conditions:
Familial cancer of breast. Also called: Hereditary breast cancer; hereditary breast carcinoma; BREAST CANCER, FAMILIAL. Identifiers: Orphanet 227535, MedGen C0346153, MONDO:0016419, OMIM 114480. Disease mechanism: loss of function.
Hereditary cancer-predisposing syndrome. Also called: Hereditary neoplastic syndrome; Tumor predisposition; Neoplastic Syndromes, Hereditary; Hereditary Cancer Syndrome. Identifiers: Orphanet 140162, MedGen C0027672, MeSH D009386, MONDO:0015356.

Submissions (3):

Labcorp Genetics (formerly Invitae), Labcorp
Classification: Uncertain significance for Familial cancer of breast. Last evaluated: 2025-11-17. Review status: criteria provided, single submitter. Criteria: Invitae Variant Classification Sherloc (09022015). Collection method: clinical testing. Allele origin: germline.
Comment: This sequence change replaces histidine, which is basic and polar, with arginine, which is basic and polar, at codon 549 of the PALB2 protein (p.His549Arg). This variant is not present in population databases (gnomAD no frequency). This missense change has been observed in individual(s) with breast cancer (PMID: 25186627). ClinVar contains an entry for this variant (Variation ID: 654612). Invitae Evidence Modeling of protein sequence and biophysical properties (such as structural, functional, and spatial information, amino acid conservation, physicochemical variation, residue mobility, and thermodynamic stability) indicates that this missense variant is not expected to disrupt PALB2 protein function with a negative predictive value of 80%. In summary, the available evidence is currently insufficient to determine the role of this variant in disease. Therefore, it has been classified as a Variant of Uncertain Significance.

Ambry Genetics
Classification: Uncertain significance for Hereditary cancer-predisposing syndrome. Last evaluated: 2022-06-21. Review status: criteria provided, single submitter. Criteria: Ambry Variant Classification Scheme 2023. Collection method: clinical testing. Allele origin: germline.
Comment: The p.H549R variant (also known as c.1646A>G), located in coding exon 4 of the PALB2 gene, results from an A to G substitution at nucleotide position 1646. The histidine at codon 549 is replaced by arginine, an amino acid with highly similar properties. This amino acid position is not well conserved in available vertebrate species. In addition, this alteration is predicted to be tolerated by in silico analysis. Since supporting evidence is limited at this time, the clinical significance of this alteration remains unclear.

Leiden Open Variation Database
Classification: Likely benign for Familial cancer of breast. Last evaluated: 2019-05-13. Review status: no assertion criteria provided. Collection method: curation. Allele origin: germline. Affected: yes. Not counted in ClinVar's aggregate classification.
Comment: Curators: Marc Tischkowitz, Arleen D. Auerbach. Submitter to LOVD: Marc Tischkowitz.

Literature cited by the submitters: PubMed 25186627 (cited by 3 submitters).

NM_024675.4(PALB2):c.1646A>G (p.His549Arg)

Gene: PALB2 (partner and localizer of BRCA2; minus strand). Cytogenetic location: 16p12.2.
Variant type: single nucleotide variant.
Coding change: c.1646A>G on transcript NM_024675.4 (MANE Select); coding-DNA position 1646, A replaced by G.
Protein change: p.His549Arg; replaces histidine 549 with arginine.
Molecular consequence: missense variant.
Genome position (GRCh38, 1-based): chr16:23,634,900, T>C on the plus strand (A>G on the coding strand, the complement: PALB2 is on the minus strand). VCF-style: chr16-23634900-T-C. GRCh37 (hg19) VCF-style: chr16-23646221-T-C.
Other names: short protein forms H549R.
Identifiers: ClinVar variation 654612 (VCV000654612.13), dbSNP rs1597095334, ClinGen allele CA395130149.
Genomic context (GRCh38, chr16:23,634,900, plus strand): 5'-CATCAAACACATCTTGATTTACCTTTCACTTGAATAAATAATTTTTCGTGCTGATATTTG[T>C]GTGAGGTGACTTCTTCCTTGGACCTGTTAACAATCGACAGGCTAGAAGTTGGCAAAAGTG-3'
Protein context (NP_078951.2, residues 539-559): VNRSKEEVTS[His549Arg]KYQHEKLFIQ